The following is an entry in ClinVar:

ClinVar aggregate classification (germline): Pathogenic (1 of 4 stars; one submission).

Conditions:
Cone-rod dystrophy 2 (CORD2). Also called: Cone-rod retinal dystrophy 2; CONE-ROD RETINAL DYSTROPHY. Identifiers: Orphanet 1872, MedGen C3489532, MONDO:0007362, OMIM 120970.
Leber congenital amaurosis 7 (LCA7). Identifiers: Orphanet 65, MedGen C3151192, MONDO:0013449, OMIM 613829.

Submission:

Labcorp Genetics (formerly Invitae), Labcorp
Classification: Pathogenic for Cone-rod dystrophy 2; Leber congenital amaurosis 7. Last evaluated: 2024-04-22. Review status: criteria provided, single submitter. Criteria: Invitae Variant Classification Sherloc (09022015). Collection method: clinical testing. Allele origin: germline.
Comment: This sequence change creates a premature translational stop signal (p.Leu186Argfs*8) in the CRX gene. While this is not anticipated to result in nonsense mediated decay, it is expected to disrupt the last 114 amino acid(s) of the CRX protein. This variant is not present in population databases (gnomAD no frequency). This variant has not been reported in the literature in individuals affected with CRX-related conditions. ClinVar contains an entry for this variant (Variation ID: 2071819). This variant disrupts a region of the CRX protein in which other variant(s) (p.Tyr258*) have been determined to be pathogenic (PMID: 22968130, 25270190). This suggests that this is a clinically significant region of the protein, and that variants that disrupt it are likely to be disease-causing. For these reasons, this variant has been classified as Pathogenic.

Literature cited by the submitters: PubMed 22968130; PubMed 25270190.

NM_000554.6(CRX):c.557del (p.Leu186fs)

Gene: CRX (cone-rod homeobox; plus strand). Cytogenetic location: 19q13.33.
Variant type: Deletion.
Coding change: c.557del on transcript NM_000554.6 (MANE Select); coding-DNA position 557, one base deleted (T; older notation c.557delT).
Protein change: p.Leu186fs; shifts the reading frame from leucine 186.
Molecular consequence: frameshift variant.
Genome position (GRCh38, 1-based): chr19:47,839,624, T deleted. VCF-style (leftmost placement, unchanged base first): chr19-47839623-CT-C. GRCh37 (hg19) VCF-style: chr19-48342880-CT-C.
Other names: short protein forms L186fs.
Identifiers: ClinVar variation 2071819 (VCV002071819.4), dbSNP rs2514256246, ClinGen allele CA2580097504.